The following is an entry in ClinVar:

ClinVar aggregate classification (germline): Uncertain significance. Review status: criteria provided, multiple submitters, no conflicts (2 of 4 stars). 2 submissions from 2 submitters: Uncertain significance (2). Last evaluated 2025-09-21.

Conditions:
Hereditary intrinsic factor deficiency (IFD). Also called: PERNICIOUS ANEMIA, CONGENITAL, DUE TO DEFECT OF INTRINSIC FACTOR; Congenital intrinsic factor deficiency. Identifiers: Orphanet 332, MedGen C2062370, MONDO:0009852, OMIM 261000.

Allele frequency attached by ClinVar (database versions not stated): ExAC 0.00002; ESP Exome Variant Server 0.00008.
gnomAD v4.1: 12 of 1,613,324 alleles (0.00074%); highest among the groups gnomAD compares: Middle Eastern, 0.017%; no homozygotes.

Submissions (2):

Ambry Genetics
Classification: Uncertain significance. Last evaluated: 2025-09-21. Review status: criteria provided, single submitter. Criteria: Ambry Variant Classification Scheme 2023. Collection method: clinical testing. Allele origin: germline.

Labcorp Genetics (formerly Invitae), Labcorp
Classification: Uncertain significance for Hereditary intrinsic factor deficiency. Last evaluated: 2022-05-04. Review status: criteria provided, single submitter. Criteria: Invitae Variant Classification Sherloc (09022015). Collection method: clinical testing. Allele origin: germline.
Comment: In summary, the available evidence is currently insufficient to determine the role of this variant in disease. Therefore, it has been classified as a Variant of Uncertain Significance. Algorithms developed to predict the effect of missense changes on protein structure and function (SIFT, PolyPhen-2, Align-GVGD) all suggest that this variant is likely to be tolerated. This variant has not been reported in the literature in individuals affected with GIF-related conditions. This variant is present in population databases (rs371476220, gnomAD 0.003%). This sequence change replaces serine, which is neutral and polar, with threonine, which is neutral and polar, at codon 111 of the GIF protein (p.Ser111Thr).

NM_005142.3(CBLIF):c.331T>A (p.Ser111Thr)

Gene: CBLIF (cobalamin binding intrinsic factor; minus strand). Cytogenetic location: 11q12.1.
Variant type: single nucleotide variant.
Coding change: c.331T>A on transcript NM_005142.3 (MANE Select); coding-DNA position 331, T replaced by A.
Protein change: p.Ser111Thr; replaces serine 111 with threonine.
Molecular consequence: missense variant.
Genome position (GRCh38, 1-based): chr11:59,843,067, A>T on the plus strand (T>A on the coding strand, the complement: CBLIF is on the minus strand). VCF-style: chr11-59843067-A-T. GRCh37 (hg19) VCF-style: chr11-59610540-A-T.
Other names: c.331T>A (NM_005142.2); short protein forms S111T.
Identifiers: ClinVar variation 2201765 (VCV002201765.3), dbSNP rs371476220, ClinGen allele CA6021608.